The following is an entry in ClinVar:

NM_001101426.4(CRPPA):c.79A>C (p.Thr27Pro)

Genes: CRPPA (CDP-L-ribitol pyrophosphorylase A; minus strand), LOC129998005 (ATAC-STARR-seq lymphoblastoid silent region 17982; plus strand). Cytogenetic location: 7p21.2.
Variant type: single nucleotide variant.
Coding change: c.79A>C on transcript NM_001101426.4 (MANE Select); coding-DNA position 79, A replaced by C.
Protein change: p.Thr27Pro; replaces threonine 27 with proline.
Molecular consequence: missense variant. On other transcripts: non-coding transcript variant (1).
Genome position (GRCh38, 1-based): chr7:16,421,244, T>G on the plus strand (A>C on the coding strand, the complement: CRPPA is on the minus strand). VCF-style: chr7-16421244-T-G. GRCh37 (hg19) VCF-style: chr7-16460869-T-G.
Other names: c.79A>C, p.Thr27Pro (NM_001101417.4, NM_001368197.1); short protein forms T27P.
Identifiers: ClinVar variation 193158 (VCV000193158.21), dbSNP rs558064127, ClinGen allele CA238663.

ClinVar aggregate classification (germline): Conflicting classifications of pathogenicity. Review status: criteria provided, conflicting classifications (1 of 4 stars). 8 submissions from 8 submitters: Uncertain significance (2); Benign (1); Likely benign (4). 1 of the submissions does not count toward it. Last evaluated 2024-11-13.

Conditions:
CRPPA-related disorder.
Congenital Muscular Dystrophy, alpha-dystroglycan related.
Muscular dystrophy-dystroglycanopathy (congenital with brain and eye anomalies), type A, 7. Also called: WALKER-WARBURG SYNDROME OR MUSCLE-EYE-BRAIN DISEASE, ISPD-RELATED; Congenital muscular dystrophy-dystroglycanopathy with brain and eye anomalies, type A7. Identifiers: Orphanet 899, MedGen C3553330, MONDO:0013835, OMIM 614643.
Autosomal recessive limb-girdle muscular dystrophy type 2U. Also called: Muscular dystrophy-dystroglycanopathy (limb-girdle), type c, 7; MUSCULAR DYSTROPHY, LIMB-GIRDLE, TYPE 2U. Identifiers: Orphanet 352479, MedGen C5190987, MONDO:0014474, OMIM 616052.

Allele frequency attached by ClinVar (database versions not stated): ExAC below 0.00001; gnomAD exomes 0.00005 and 0.00012; TOPMed 0.00170; gnomAD 0.00206 and 0.00220; 1000 Genomes Project 0.00260; 1000 Genomes Project 30x 0.00297.
gnomAD v4.1: 472 of 1,327,884 alleles (0.036%); highest among the groups gnomAD compares: African/African-American, 0.62%; 1 homozygote.

Submissions (8):

Blueprint Genetics
Classification: Likely benign. Last evaluated: 2024-11-13. Review status: criteria provided, single submitter. Criteria: ACMG Guidelines, 2015. Collection method: clinical testing. Allele origin: germline.

Revvity Omics, Revvity
Classification: Likely benign. Last evaluated: 2023-06-01. Review status: criteria provided, single submitter. Criteria: ACMG Guidelines, 2015. Collection method: clinical testing. Allele origin: germline.

Labcorp Genetics (formerly Invitae), Labcorp
Classification: Uncertain significance for Muscular dystrophy-dystroglycanopathy (congenital with brain and eye anomalies), type A, 7; Autosomal recessive limb-girdle muscular dystrophy type 2U. Last evaluated: 2022-10-18. Review status: criteria provided, single submitter. Criteria: Invitae Variant Classification Sherloc (09022015). Collection method: clinical testing. Allele origin: germline.
Comment: This sequence change replaces threonine, which is neutral and polar, with proline, which is neutral and non-polar, at codon 27 of the ISPD protein (p.Thr27Pro). The frequency data for this variant in the population databases is considered unreliable, as metrics indicate poor data quality at this position in the gnomAD database. This missense change has been observed in individual(s) with muscular dystophy (PMID: 29382405). ClinVar contains an entry for this variant (Variation ID: 193158). Algorithms developed to predict the effect of missense changes on protein structure and function (SIFT, PolyPhen-2, Align-GVGD) all suggest that this variant is likely to be tolerated. In summary, the available evidence is currently insufficient to determine the role of this variant in disease. Therefore, it has been classified as a Variant of Uncertain Significance.

Athena Diagnostics
Classification: Likely benign. Last evaluated: 2020-11-10. Review status: criteria provided, single submitter. Criteria: Athena Diagnostics criteria. Collection method: clinical testing. Allele origin: unknown.

GeneDx
Classification: Likely benign. Last evaluated: 2020-06-22. Review status: criteria provided, single submitter. Criteria: GeneDx Variant Classification Process June 2021. Collection method: clinical testing. Allele origin: germline. Affected: yes.
Comment: This variant is associated with the following publications: (PMID: 29382405)

Illumina Laboratory Services, Illumina
Classification: Uncertain significance for Congenital Muscular Dystrophy, alpha-dystroglycan related. Last evaluated: 2018-01-12. Review status: criteria provided, single submitter. Criteria: ICSL Variant Classification Criteria 13 December 2019. Collection method: clinical testing. Allele origin: germline.

Eurofins Ntd Llc (ga)
Classification: Benign. Last evaluated: 2016-08-01. Review status: criteria provided, single submitter. Criteria: EGL Classification Definitions 2015. Collection method: clinical testing. Allele origin: germline. Observed: 8 variant alleles, 8 heterozygotes.

PreventionGenetics, part of Exact Sciences
Classification: Likely benign for CRPPA-related condition. Last evaluated: 2019-07-17. Review status: no assertion criteria provided. Collection method: clinical testing. Allele origin: germline. Not counted in ClinVar's aggregate classification.
Comment: This variant is classified as likely benign based on ACMG/AMP sequence variant interpretation guidelines (Richards et al. 2015 PMID: 25741868, with internal and published modifications).

Literature cited by the submitters: PubMed 29382405 (cited by Labcorp Genetics (formerly Invitae), Labcorp and Athena Diagnostics).